The following is an entry in ClinVar:

NM_000069.3(CACNA1S):c.586C>T (p.Leu196Phe)

Gene: CACNA1S (calcium voltage-gated channel subunit alpha1 S; minus strand). Cytogenetic location: 1q32.1.
Variant type: single nucleotide variant.
Coding change: c.586C>T on transcript NM_000069.3 (MANE Select); coding-DNA position 586, C replaced by T.
Protein change: p.Leu196Phe; replaces leucine 196 with phenylalanine.
Molecular consequence: missense variant.
Genome position (GRCh38, 1-based): chr1:201,091,748, G>A on the plus strand (C>T on the coding strand, the complement: CACNA1S is on the minus strand). VCF-style: chr1-201091748-G-A. GRCh37 (hg19) VCF-style: chr1-201060876-G-A.
Other names: short protein forms L196F.
Identifiers: ClinVar variation 1349488 (VCV001349488.8), dbSNP rs1402361054, ClinGen allele CA344140452.
Genomic context (GRCh38, chr1:201,091,748, plus strand): 5'-CCAGCCCGATGATGGCATAGATGATGACCATAAAGAGGACCAGCAGGGCGATGTGAAAGA[G>A]GGGGAGCATGGCCTTGAAGATGGAGTTCAGGACCACCTGCAGGCCTGCAGAGGCAGGCAG-3'
Protein context (NP_000060.2, residues 186-206): LNSIFKAMLP[Leu196Phe]FHIALLVLFM

ClinVar aggregate classification (germline): Uncertain significance. Review status: criteria provided, multiple submitters, no conflicts (2 of 4 stars). 3 submissions from 3 submitters: Uncertain significance (3). Last evaluated 2024-02-13.

Conditions:
Malignant hyperthermia, susceptibility to, 5 (MHS5). Also called: CACNA1S-Related Malignant Hyperthermia Susceptibility. Identifiers: Orphanet 423, MedGen C1866077, MONDO:0011163, OMIM 601887.
Hypokalemic periodic paralysis, type 1. Also called: HypoPP; Hypokalemic Periodic Paralysis Type 1 (AD). Identifiers: Orphanet 681, MedGen C3714580, MONDO:0042979, OMIM 170400.

Allele frequency attached by ClinVar (database versions not stated): gnomAD exomes 0.00002.
gnomAD v4.1: 29 of 1,614,078 alleles (0.0018%); highest among the groups gnomAD compares: Non-Finnish European, 0.0022%; no homozygotes.

Submissions (3):

Blueprint Genetics
Classification: Uncertain significance. Last evaluated: 2024-02-13. Review status: criteria provided, single submitter. Criteria: ACMG Guidelines, 2015. Collection method: clinical testing. Allele origin: germline.

Color Diagnostics, LLC DBA Color Health
Classification: Uncertain significance for Malignant hyperthermia, susceptibility to, 5. Last evaluated: 2023-09-13. Review status: criteria provided, single submitter. Criteria: ACMG Guidelines, 2015. Collection method: clinical testing. Allele origin: germline.
Comment: This missense variant replaces leucine with phenylalanine at codon 196 of the CACNA1S protein. Computational prediction suggests that this variant may have deleterious impact on protein structure and function. To our knowledge, functional studies have not been reported for this variant. This variant has not been reported in individuals affected with CACNA1S-related disorders in the literature. This variant has been identified in 1/251180 chromosomes in the general population by the Genome Aggregation Database (gnomAD). The available evidence is insufficient to determine the role of this variant in disease conclusively. Therefore, this variant is classified as a Variant of Uncertain Significance.

Labcorp Genetics (formerly Invitae), Labcorp
Classification: Uncertain significance for Hypokalemic periodic paralysis, type 1; Malignant hyperthermia, susceptibility to, 5. Last evaluated: 2022-05-29. Review status: criteria provided, single submitter. Criteria: Invitae Variant Classification Sherloc (09022015). Collection method: clinical testing. Allele origin: germline.
Comment: This sequence change replaces leucine, which is neutral and non-polar, with phenylalanine, which is neutral and non-polar, at codon 196 of the CACNA1S protein (p.Leu196Phe). This variant is present in population databases (no rsID available, gnomAD 0.0009%). This variant has not been reported in the literature in individuals affected with CACNA1S-related conditions. ClinVar contains an entry for this variant (Variation ID: 1349488). Algorithms developed to predict the effect of missense changes on protein structure and function are either unavailable or do not agree on the potential impact of this missense change (SIFT: "Deleterious"; PolyPhen-2: "Probably Damaging"; Align-GVGD: "Class C0"). In summary, the available evidence is currently insufficient to determine the role of this variant in disease. Therefore, it has been classified as a Variant of Uncertain Significance.